The following is an entry in ClinVar:

NM_001365999.1(SZT2):c.7900C>G (p.Pro2634Ala)

Gene: SZT2 (SZT2 subunit of KICSTOR complex; plus strand). Cytogenetic location: 1p34.2.
Variant type: single nucleotide variant.
Coding change: c.7900C>G on transcript NM_001365999.1 (MANE Select); coding-DNA position 7900, C replaced by G.
Protein change: p.Pro2634Ala; replaces proline 2634 with alanine.
Molecular consequence: missense variant.
Genome position (GRCh38, 1-based): chr1:43,442,294, C>G. VCF-style: chr1-43442294-C-G. GRCh37 (hg19) VCF-style: chr1-43907965-C-G.
Other names: c.7729C>G, p.Pro2577Ala (NM_015284.4); short protein forms P2577A, P2634A.
Identifiers: ClinVar variation 1367999 (VCV001367999.7), dbSNP rs763289414, ClinGen allele CA810402.

ClinVar aggregate classification (germline): Uncertain significance. Review status: criteria provided, multiple submitters, no conflicts (2 of 4 stars). 3 submissions from 3 submitters: Uncertain significance (3). Last evaluated 2023-04-11.

Conditions:
Developmental and epileptic encephalopathy, 18 (DEE18). Also called: Early infantile epileptic encephalopathy 18. Identifiers: Orphanet 369894, MedGen C3809624, MONDO:0014201, OMIM 615476.
Inborn genetic diseases. Identifiers: MedGen C0950123, MeSH D030342.

Allele frequency attached by ClinVar (database versions not stated): ExAC 0.00003; gnomAD 0.00005 and 0.00006; TOPMed 0.00005.

Submissions (3):

Genome-Nilou Lab
Classification: Uncertain significance for Developmental and epileptic encephalopathy, 18. Last evaluated: 2023-04-11. Review status: criteria provided, single submitter. Criteria: ACMG Guidelines, 2015. Collection method: clinical testing. Allele origin: germline. Affected: no.

Labcorp Genetics (formerly Invitae), Labcorp
Classification: Uncertain significance. Last evaluated: 2022-08-10. Review status: criteria provided, single submitter. Criteria: Invitae Variant Classification Sherloc (09022015). Collection method: clinical testing. Allele origin: germline.
Comment: This sequence change replaces proline, which is neutral and non-polar, with alanine, which is neutral and non-polar, at codon 2577 of the SZT2 protein (p.Pro2577Ala). This variant is present in population databases (rs763289414, gnomAD 0.03%). This variant has not been reported in the literature in individuals affected with SZT2-related conditions. ClinVar contains an entry for this variant (Variation ID: 1367999). Algorithms developed to predict the effect of missense changes on protein structure and function output the following: SIFT: "Tolerated"; PolyPhen-2: "Benign"; Align-GVGD: "Class C0". The alanine amino acid residue is found in multiple mammalian species, which suggests that this missense change does not adversely affect protein function. In summary, the available evidence is currently insufficient to determine the role of this variant in disease. Therefore, it has been classified as a Variant of Uncertain Significance.

Ambry Genetics
Classification: Uncertain significance for Inborn genetic diseases. Last evaluated: 2020-01-28. Review status: criteria provided, single submitter. Criteria: Ambry Variant Classification Scheme 2023. Collection method: clinical testing. Allele origin: germline.
Comment: The p.P2577A variant (also known as c.7729C>G), located in coding exon 56 of the SZT2 gene, results from a C to G substitution at nucleotide position 7729. The proline at codon 2577 is replaced by alanine, an amino acid with highly similar properties. This amino acid position is not well conserved in available vertebrate species. In addition, this alteration is predicted to be tolerated by in silico analysis. Since supporting evidence is limited at this time, the clinical significance of this alteration remains unclear.